The following is an entry in ClinVar:

ClinVar aggregate classification (germline): Uncertain significance (1 of 4 stars; one submission).

Conditions:
Hereditary spastic paraplegia 7 (SPG7). Also called: Autosomal recessive spastic paraplegia type 7; SPG7-related neurologic disorder; SPASTIC PARAPLEGIA 7, AUTOSOMAL RECESSIVE, WITH OR WITHOUT CEREBELLAR ATAXIA; Spastic paraplegia 7; Hereditary spastic paraplegia Paraplegin type. Identifiers: Orphanet 99013, MedGen C1846564, MONDO:0011803, OMIM 607259.

Allele frequency attached by ClinVar (database versions not stated): gnomAD exomes below 0.00001; gnomAD 0.00001.
gnomAD v4.1: 5 of 1,613,778 alleles (0.00031%); highest among the groups gnomAD compares: Non-Finnish European, 0.00034%; no homozygotes.

Submission:

Labcorp Genetics (formerly Invitae), Labcorp
Classification: Uncertain significance for Hereditary spastic paraplegia 7. Last evaluated: 2022-06-09. Review status: criteria provided, single submitter. Criteria: Invitae Variant Classification Sherloc (09022015). Collection method: clinical testing. Allele origin: germline.
Comment: This variant has not been reported in the literature in individuals affected with SPG7-related conditions. In summary, the available evidence is currently insufficient to determine the role of this variant in disease. Therefore, it has been classified as a Variant of Uncertain Significance. Advanced modeling of protein sequence and biophysical properties (such as structural, functional, and spatial information, amino acid conservation, physicochemical variation, residue mobility, and thermodynamic stability) performed at Invitae indicates that this missense variant is expected to disrupt SPG7 protein function. This variant is not present in population databases (gnomAD no frequency). This sequence change replaces leucine, which is neutral and non-polar, with proline, which is neutral and non-polar, at codon 358 of the SPG7 protein (p.Leu358Pro).

NM_003119.4(SPG7):c.1073T>C (p.Leu358Pro)

Gene: SPG7 (SPG7 matrix AAA peptidase subunit, paraplegin; plus strand). Cytogenetic location: 16q24.3.
Variant type: single nucleotide variant.
Coding change: c.1073T>C on transcript NM_003119.4 (MANE Select); coding-DNA position 1073, T replaced by C.
Protein change: p.Leu358Pro; replaces leucine 358 with proline.
Molecular consequence: missense variant.
Genome position (GRCh38, 1-based): chr16:89,531,989, T>C. VCF-style: chr16-89531989-T-C. GRCh37 (hg19) VCF-style: chr16-89598397-T-C.
Other names: c.1073T>C, p.Leu358Pro (NM_001363850.1, NM_199367.3); short protein forms L358P.
Identifiers: ClinVar variation 1474195 (VCV001474195.6), dbSNP rs997293950, ClinGen allele CA286544539.
Genomic context (GRCh38, chr16:89,531,989, plus strand): 5'-GCGCCAAGGTCCCAAAGGGCGCACTGCTGCTCGGCCCCCCCGGCTGTGGGAAGACGCTGC[T>C]GGCCAAGGCGGTGGCCACGGAGGCTCAGGTGCCCTTCCTGGCGATGGCCGGCCCAGAGTT-3'
Protein context (NP_003110.1, residues 348-368): LGPPGCGKTL[Leu358Pro]AKAVATEAQV